The following is an entry in ClinVar:

ClinVar aggregate classification (germline): Benign. Review status: criteria provided, multiple submitters, no conflicts (2 of 4 stars). 3 submissions from 3 submitters: Benign (2). 1 of the submissions does not count toward it. Last evaluated 2018-01-08.

Conditions:
BIRC6-related disorder. Also called: BIRC6-related condition.

Allele frequency attached by ClinVar (database versions not stated): gnomAD exomes 0.00013 and 0.00041; ExAC 0.00055; TOPMed 0.00166; gnomAD 0.00175 and 0.00187; 1000 Genomes Project 0.00180; 1000 Genomes Project 30x 0.00203; ESP Exome Variant Server 0.00215.
gnomAD v4.1: 469 of 1,612,204 alleles (0.029%); highest among the groups gnomAD compares: African/African-American, 0.56%; 1 homozygote.

Submissions (3):

Labcorp Genetics (formerly Invitae), Labcorp
Classification: Benign. Last evaluated: 2018-01-08. Review status: criteria provided, single submitter. Criteria: Invitae Variant Classification Sherloc (09022015). Collection method: clinical testing. Allele origin: germline.

Breakthrough Genomics
Classification: Benign. Review status: criteria provided, single submitter. Criteria: ACMG Guidelines, 2015. Collection method: not provided. Allele origin: germline. Inheritance: Unknown mechanism. Affected: yes.

PreventionGenetics, part of Exact Sciences
Classification: Likely benign for BIRC6-related condition. Last evaluated: 2019-03-25. Review status: no assertion criteria provided. Collection method: clinical testing. Allele origin: germline. Not counted in ClinVar's aggregate classification.
Comment: This variant is classified as likely benign based on ACMG/AMP sequence variant interpretation guidelines (Richards et al. 2015 PMID: 25741868, with internal and published modifications).

NM_016252.4(BIRC6):c.8232T>G (p.Thr2744=)

Gene: BIRC6 (baculoviral IAP repeat containing 6; plus strand). Cytogenetic location: 2p22.3.
Variant type: single nucleotide variant.
Coding change: c.8232T>G on transcript NM_016252.4 (MANE Select); coding-DNA position 8232, T replaced by G.
Protein change: p.Thr2744=; no amino-acid change (threonine 2744 retained).
Molecular consequence: synonymous variant.
Genome position (GRCh38, 1-based): chr2:32,491,450, T>G. VCF-style: chr2-32491450-T-G. GRCh37 (hg19) VCF-style: chr2-32716517-T-G.
Other names: c.8229T>G, p.Thr2743= (NM_001378125.1).
Identifiers: ClinVar variation 732922 (VCV000732922.6), dbSNP rs61746815, ClinGen allele CA1604287.